The following is an entry in ClinVar:

NM_139318.5(KCNH5):c.1339A>G (p.Met447Val)

Gene: KCNH5 (potassium voltage-gated channel subfamily H member 5; minus strand). Cytogenetic location: 14q23.2.
Variant type: single nucleotide variant.
Coding change: c.1339A>G on transcript NM_139318.5 (MANE Select); coding-DNA position 1339, A replaced by G.
Protein change: p.Met447Val; replaces methionine 447 with valine.
Molecular consequence: missense variant.
Genome position (GRCh38, 1-based): chr14:62,950,163, T>C on the plus strand (A>G on the coding strand, the complement: KCNH5 is on the minus strand). VCF-style: chr14-62950163-T-C. GRCh37 (hg19) VCF-style: chr14-63416881-T-C.
Other names: c.1339A>G, p.Met447Val (NM_172375.3); c.1339A>G (NM_139318.3); short protein forms M447V.
Identifiers: ClinVar variation 461386 (VCV000461386.10), dbSNP rs200506671, ClinGen allele CA7217499.
Genomic context (GRCh38, chr14:62,950,163, plus strand): 5'-AATTTTCAATGAAAAAATTAAAATACTTACAGCCAACCATCATCATAGCCACCGAAAACA[T>C]CTTCTCCACATCTGTGGTAGGAGCTATGTTTCCAAATCCTATGGTTGTAAGGCTTGTCAT-3'
Protein context (NP_647479.2, residues 437-457): NIAPTTDVEK[Met447Val]FSVAMMMVGS

ClinVar aggregate classification (germline): Uncertain significance. Review status: criteria provided, multiple submitters, no conflicts (2 of 4 stars). 2 submissions from 2 submitters: Uncertain significance (2). Last evaluated 2025-07-25.

Conditions:
Early-infantile DEE. Also called: Early infantile epileptic encephalopathy; Early infantile epileptic encephalopathy with suppression bursts; Ohtahara syndrome. Identifiers: Orphanet 1934, MedGen C0393706, MONDO:0800491.
Inborn genetic diseases. Identifiers: MedGen C0950123, MeSH D030342.

Allele frequency attached by ClinVar (database versions not stated): gnomAD 0.00003; TOPMed 0.00003.
gnomAD v4.1: 132 of 1,613,740 alleles (0.0082%); highest among the groups gnomAD compares: Non-Finnish European, 0.0097%; no homozygotes.

Submissions (2):

Labcorp Genetics (formerly Invitae), Labcorp
Classification: Uncertain significance for Early-infantile DEE. Last evaluated: 2025-07-25. Review status: criteria provided, single submitter. Criteria: Invitae Variant Classification Sherloc (09022015). Collection method: clinical testing. Allele origin: germline.
Comment: This sequence change replaces methionine, which is neutral and non-polar, with valine, which is neutral and non-polar, at codon 447 of the KCNH5 protein (p.Met447Val). This variant is present in population databases (rs200506671, gnomAD 0.009%). This missense change has been observed in individual(s) with clinical features of KCNH5-related conditions (internal data). ClinVar contains an entry for this variant (Variation ID: 461386). Invitae Evidence Modeling of protein sequence and biophysical properties (such as structural, functional, and spatial information, amino acid conservation, physicochemical variation, residue mobility, and thermodynamic stability) indicates that this missense variant is not expected to disrupt KCNH5 protein function with a negative predictive value of 95%. In summary, the available evidence is currently insufficient to determine the role of this variant in disease. Therefore, it has been classified as a Variant of Uncertain Significance.

Ambry Genetics
Classification: Uncertain significance for Inborn genetic diseases. Last evaluated: 2024-02-13. Review status: criteria provided, single submitter. Criteria: Ambry Variant Classification Scheme 2023. Collection method: clinical testing. Allele origin: germline.